The following is an entry in ClinVar:

ClinVar aggregate classification (germline): Uncertain significance. Review status: criteria provided, multiple submitters, no conflicts (2 of 4 stars). 3 submissions from 3 submitters: Uncertain significance (3). Last evaluated 2026-01-21.

Conditions:
Glycogen storage disease, type VI (GSD6). Also called: Glycogen storage disease type 6; Hepatic glycogen phosphorylase deficiency; HERS DISEASE; PHOSPHORYLASE DEFICIENCY GLYCOGEN-STORAGE DISEASE OF LIVER; Glycogen storage disease type 6, due to phosphorylation; GSD VI. Identifiers: Orphanet 369, MedGen C0017925, MONDO:0009294, OMIM 232700.

Allele frequency attached by ClinVar (database versions not stated): gnomAD exomes 0.00002 and 0.00006; ExAC 0.00001; TOPMed 0.00002; gnomAD 0.00001; ESP Exome Variant Server 0.00008.
gnomAD v4.1: 82 of 1,613,914 alleles (0.0051%); highest among the groups gnomAD compares: Non-Finnish European, 0.0068%; no homozygotes.

Submissions (3):

Labcorp Genetics (formerly Invitae), Labcorp
Classification: Uncertain significance for Glycogen storage disease, type VI. Last evaluated: 2026-01-21. Review status: criteria provided, single submitter. Criteria: Invitae Variant Classification Sherloc (09022015). Collection method: clinical testing. Allele origin: germline.
Comment: This sequence change replaces asparagine, which is neutral and polar, with serine, which is neutral and polar, at codon 485 of the PYGL protein (p.Asn485Ser). This variant is present in population databases (rs138888959, gnomAD 0.007%). This missense change has been observed in individual(s) with clinical features of glycogen storage disease (PMID: 32374048). ClinVar contains an entry for this variant (Variation ID: 841485). Invitae Evidence Modeling of protein sequence and biophysical properties (such as structural, functional, and spatial information, amino acid conservation, physicochemical variation, residue mobility, and thermodynamic stability) has been performed for this missense variant. However, the output from this modeling did not meet the statistical confidence thresholds required to predict the impact of this variant on PYGL protein function. In summary, the available evidence is currently insufficient to determine the role of this variant in disease. Therefore, it has been classified as a Variant of Uncertain Significance.

GeneDx
Classification: Uncertain significance. Last evaluated: 2024-12-27. Review status: criteria provided, single submitter. Criteria: GeneDx Variant Classification Process June 2021. Collection method: clinical testing. Allele origin: germline.
Comment: Not observed at significant frequency in large population cohorts (gnomAD); In silico analysis supports that this missense variant has a deleterious effect on protein structure/function; This variant is associated with the following publications: (PMID: 32374048)

Fulgent Genetics
Classification: Uncertain significance for Glycogen storage disease, type VI. Last evaluated: 2022-03-16. Review status: criteria provided, single submitter. Criteria: ACMG Guidelines, 2015. Collection method: clinical testing. Allele origin: unknown.

Literature cited by the submitters: PubMed 32374048 (cited by Labcorp Genetics (formerly Invitae), Labcorp).

NM_002863.5(PYGL):c.1454A>G (p.Asn485Ser)

Gene: PYGL (glycogen phosphorylase L; minus strand). Cytogenetic location: 14q22.1.
Variant type: single nucleotide variant.
Coding change: c.1454A>G on transcript NM_002863.5 (MANE Select); coding-DNA position 1454, A replaced by G.
Protein change: p.Asn485Ser; replaces asparagine 485 with serine.
Molecular consequence: missense variant.
Genome position (GRCh38, 1-based): chr14:50,914,765, T>C on the plus strand (A>G on the coding strand, the complement: PYGL is on the minus strand). VCF-style: chr14-50914765-T-C. GRCh37 (hg19) VCF-style: chr14-51381483-T-C.
Other names: c.1352A>G, p.Asn451Ser (NM_001163940.2); short protein forms N451S, N485S.
Identifiers: ClinVar variation 841485 (VCV000841485.11), dbSNP rs138888959, ClinGen allele CA7183458.